The following is an entry in ClinVar:

NM_000059.4(BRCA2):c.1851dup (p.Ala618fs)

Gene: BRCA2 (BRCA2 DNA repair associated; plus strand). Cytogenetic location: 13q13.1.
Variant type: Duplication.
Coding change: c.1851dup on transcript NM_000059.4 (MANE Select); coding-DNA position 1851, one base duplicated (A; older notation c.1851dupA).
Protein change: p.Ala618fs; shifts the reading frame from alanine 618.
Molecular consequence: frameshift variant.
Genome position (GRCh38, 1-based): chr13:32,333,329, A duplicated. VCF-style (leftmost placement, unchanged base first): chr13-32333328-C-CA. GRCh37 (hg19) VCF-style: chr13-32907465-C-CA.
Other names: c.1851dupA (NM_000059.3); short protein forms A618fs.
Identifiers: ClinVar variation 51213 (VCV000051213.3), dbSNP rs397507610, ClinGen allele CA013583.
Genomic context (GRCh38, chr13:32,333,328, plus strand): 5'-AAACATCTTATAAAGGAAAAAAAATACCGAAAGACCAAAAATCAGAACTAATTAACTGTT[C>CA]AGCCCAGTTTGAAGCAAATGCTTTTGAAGCACCACTTACATTTGCAAATGCTGATTCAGG-3'

ClinVar aggregate classification (germline): Pathogenic. Review status: reviewed by expert panel (3 of 4 stars). 2 submissions from 2 submitters: Pathogenic (1). 1 of the submissions does not count toward it. Last evaluated 2017-12-15.

Conditions:
Familial cancer of breast. Also called: BREAST CANCER, FAMILIAL; Hereditary breast cancer; hereditary breast carcinoma. Identifiers: Orphanet 227535, MedGen C0346153, MONDO:0016419, OMIM 114480. Disease mechanism: loss of function.
Breast-ovarian cancer, familial, susceptibility to, 2 (BROVCA2). Also called: BRCA2 Hereditary Breast and Ovarian Cancer. Identifiers: Orphanet 145, MedGen C2675520, MONDO:0012933, OMIM 612555. Disease mechanism: loss of function.

Submissions (2):

Evidence-based Network for the Interpretation of Germline Mutant Alleles (ENIGMA)
Classification: Pathogenic for Breast-ovarian cancer, familial, susceptibility to, 2. Last evaluated: 2017-12-15. Review status: reviewed by expert panel. Criteria: ENIGMA BRCA1/2 Classification Criteria (2017-06-29). Collection method: curation. Allele origin: germline. Study: ENIGMA.
Comment: Variant allele predicted to encode a truncated non-functional protein.

ClinVar Staff, National Center for Biotechnology Information (NCBI)
No classification provided. Condition: Familial cancer of breast. Review status: no classification provided. Collection method: literature only. Allele origin: germline. Affected: yes. Not counted in ClinVar's aggregate classification.

Literature cited by the submitters: PubMed 12161607 (cited by ClinVar Staff, National Center for Biotechnology Information (NCBI)).